The following is an entry in ClinVar:

ClinVar aggregate classification (germline): Uncertain significance (1 of 4 stars; one submission).

Conditions:
RAB23-related disorder. Also called: RAB23-related condition.

Submission:

PreventionGenetics, part of Exact Sciences
Classification: Uncertain significance for RAB23-related condition. Last evaluated: 2025-08-12. Review status: criteria provided, single submitter. Criteria: ACMG Guidelines, 2015. Collection method: clinical testing. Allele origin: germline.
Comment: The RAB23 c.489G>C variant is predicted to result in the amino acid substitution p.Lys163Asn. To our knowledge, this variant has not been reported in the literature or in a large population database (gnomAD), indicating this variant is rare. At this time, the clinical significance of this variant is uncertain due to the absence of conclusive functional and genetic evidence.

NM_016277.5(RAB23):c.489G>C (p.Lys163Asn)

Gene: RAB23 (RAB23, member RAS oncogene family; minus strand). Cytogenetic location: 6p12.1.
Variant type: single nucleotide variant.
Coding change: c.489G>C on transcript NM_016277.5 (MANE Select); coding-DNA position 489, G replaced by C.
Protein change: p.Lys163Asn; replaces lysine 163 with asparagine.
Molecular consequence: missense variant. On other transcripts: non-coding transcript variant (1).
Genome position (GRCh38, 1-based): chr6:57,193,927, C>G on the plus strand (G>C on the coding strand, the complement: RAB23 is on the minus strand). VCF-style: chr6-57193927-C-G. GRCh37 (hg19) VCF-style: chr6-57058725-C-G.
Other names: c.489G>C, p.Lys163Asn (NM_001278666.2, NM_001278667.2, NM_001278668.2 and 1 more transcripts); short protein forms K163N.
Identifiers: ClinVar variation 4996234 (VCV004996234.1).